The following is an entry in ClinVar:

NM_001378030.1(CCDC78):c.472C>T (p.Gln158Ter)

Gene: CCDC78 (coiled-coil domain containing 78; minus strand). Cytogenetic location: 16p13.3.
Variant type: single nucleotide variant.
Coding change: c.472C>T on transcript NM_001378030.1 (MANE Select); coding-DNA position 472, C replaced by T.
Protein change: p.Gln158Ter; replaces glutamine 158 with a stop codon.
Molecular consequence: nonsense. On other transcripts: non-coding transcript variant (5).
Genome position (GRCh38, 1-based): chr16:725,257, G>A on the plus strand (C>T on the coding strand, the complement: CCDC78 is on the minus strand). VCF-style: chr16-725257-G-A. GRCh37 (hg19) VCF-style: chr16-775257-G-A.
Other names: c.472C>T, p.Gln158Ter (NM_001031737.3, NM_001378031.1); c.19C>T, p.Gln7Ter (NM_001378033.1); short protein forms Q158*, Q7*.
Identifiers: ClinVar variation 473260 (VCV000473260.12), dbSNP rs200825023, ClinGen allele CA7789584.
Genomic context (GRCh38, chr16:725,257, plus strand): 5'-GTGCTGCCCTCTCCCCTGAGCTAGGTGGCTGCACACTCACGCCGCTCCCCAGCCTGTGCT[G>A]CTCATTCTCGGGGTTCATGGTGTTCTTGGGCTGCACCTGAATGGAAGGGAGGGCAGGGAA-3'

ClinVar aggregate classification (germline): Conflicting classifications of pathogenicity. Review status: criteria provided, conflicting classifications (1 of 4 stars). 3 submissions from 3 submitters: Uncertain significance (1); Likely benign (2). Last evaluated 2026-09-01.

Conditions:
Centronuclear myopathy (CNM). Also called: Myotubular myopathy; Centronuclear myopathy, congenital. Identifiers: Orphanet 595, MedGen C0175709, MONDO:0018947. Inheritance: All.
Congenital myopathy with internal nuclei and atypical cores. Also called: Myopathy, centronuclear, 4. Identifiers: Orphanet 319160, MedGen C4707232, MONDO:0013890, OMIM 614807.

Allele frequency attached by ClinVar (database versions not stated): gnomAD exomes 0.00006 and 0.00011; ExAC 0.00008; ESP Exome Variant Server 0.00008; gnomAD 0.00012 and 0.00013; TOPMed 0.00026.

Submissions (3):

CeGaT Center for Human Genetics Tuebingen
Classification: Likely benign. Last evaluated: 2026-09-01. Review status: criteria provided, single submitter. Criteria: CeGaT Center For Human Genetics Tuebingen Variant Classification Criteria Version 2. Collection method: clinical testing. Allele origin: germline. Affected: yes. Observed: 1 variant allele.
Comment: CCDC78: BS2

Labcorp Genetics (formerly Invitae), Labcorp
Classification: Likely benign for Congenital myopathy with internal nuclei and atypical cores. Last evaluated: 2025-10-15. Review status: criteria provided, single submitter. Criteria: Invitae Variant Classification Sherloc (09022015). Collection method: clinical testing. Allele origin: germline.

Department of Pathology and Laboratory Medicine, Sinai Health System
Classification: Uncertain significance for centronuclear myopathy. Last evaluated: 2021-10-05. Review status: criteria provided, single submitter. Criteria: ACMG Guidelines, 2015. Collection method: research. Allele origin: germline.